The following is an entry in ClinVar:

NM_004991.4(MECOM):c.565A>G (p.Met189Val)

Gene: MECOM (MDS1 and EVI1 complex locus; minus strand). Cytogenetic location: 3q26.2.
Variant type: single nucleotide variant.
Coding change: c.565A>G on transcript NM_004991.4 (MANE Select); coding-DNA position 565, A replaced by G.
Protein change: p.Met189Val; replaces methionine 189 with valine.
Molecular consequence: missense variant. On other transcripts: initiator codon variant (12).
Genome position (GRCh38, 1-based): chr3:169,131,477, T>C on the plus strand (A>G on the coding strand, the complement: MECOM is on the minus strand). VCF-style: chr3-169131477-T-C. GRCh37 (hg19) VCF-style: chr3-168849265-T-C.
Other names: c.193A>G, p.Met65Val (NM_001105077.4); c.1A>G, p.Met1Val (NM_001105078.4, NM_001163999.2, NM_001164000.2 and 9 more transcripts); c.565A>G, p.Met189Val (NM_001366466.2, NM_001366473.2); short protein forms M1V, M189V, M65V.
Identifiers: ClinVar variation 3871907 (VCV003871907.2).

ClinVar aggregate classification (germline): Uncertain significance (1 of 4 stars; one submission).

Conditions:
Inborn genetic diseases. Identifiers: MedGen C0950123, MeSH D030342.

Submission:

Ambry Genetics
Classification: Uncertain significance for Inborn genetic diseases. Last evaluated: 2026-01-24. Review status: criteria provided, single submitter. Criteria: Ambry Variant Classification Scheme 2023. Collection method: clinical testing. Allele origin: germline.
Comment: The p.M189V variant (also known as c.565A>G), located in coding exon 4 of the MECOM gene, results from an A to G substitution at nucleotide position 565. The methionine at codon 189 is replaced by valine, an amino acid with highly similar properties. This amino acid position is conserved. In addition, this alteration is predicted to be deleterious by in silico analysis. Based on the available evidence, the clinical significance of this variant remains unclear.